The following is an entry in ClinVar:

ClinVar aggregate classification (germline): Uncertain significance (1 of 4 stars; one submission).

Submission:

GeneDx
Classification: Uncertain significance. Last evaluated: 2022-02-28. Review status: criteria provided, single submitter. Criteria: GeneDx Variant Classification Process June 2021. Collection method: clinical testing. Allele origin: germline. Affected: yes.
Comment: Not observed at significant frequency in large population cohorts (gnomAD); In silico analysis supports that this missense variant has a deleterious effect on protein structure/function; Has not been previously published as pathogenic or benign to our knowledge; Variants in candidate genes are classified as variants of uncertain significance in accordance with ACMG guidelines (Richards et al., 2015)

NM_001128.6(AP1G1):c.776A>C (p.Asn259Thr)

Gene: AP1G1 (adaptor related protein complex 1 subunit gamma 1; minus strand). Cytogenetic location: 16q22.2.
Variant type: single nucleotide variant.
Coding change: c.776A>C on transcript NM_001128.6 (MANE Select); coding-DNA position 776, A replaced by C.
Protein change: p.Asn259Thr; replaces asparagine 259 with threonine.
Molecular consequence: missense variant.
Genome position (GRCh38, 1-based): chr16:71,764,689, T>G on the plus strand (A>C on the coding strand, the complement: AP1G1 is on the minus strand). VCF-style: chr16-71764689-T-G. GRCh37 (hg19) VCF-style: chr16-71798592-T-G.
Other names: c.785A>C, p.Asn262Thr (NM_001030007.2); short protein forms N259T, N262T.
Identifiers: ClinVar variation 3252760 (VCV003252760.1), dbSNP rs2031241825.